The following is an entry in ClinVar:

ClinVar aggregate classification (germline): Uncertain significance (1 of 4 stars; one submission).

Conditions:
Brugada syndrome 5 (BRGDA5). Identifiers: Orphanet 130, Orphanet 871, MedGen C2748541, MONDO:0013015, OMIM 612838.

Allele frequency attached by ClinVar (database versions not stated): gnomAD exomes below 0.00001; TOPMed below 0.00001; gnomAD 0.00001.
gnomAD v4.1: 3 of 1,549,254 alleles (0.00019%); highest among the groups gnomAD compares: African/African-American, 0.0014%; no homozygotes.

Submission:

Labcorp Genetics (formerly Invitae), Labcorp
Classification: Uncertain significance for Brugada syndrome 5. Last evaluated: 2023-08-17. Review status: criteria provided, single submitter. Criteria: Invitae Variant Classification Sherloc (09022015). Collection method: clinical testing. Allele origin: germline.
Comment: This variant is present in population databases (no rsID available, gnomAD 0.007%). In summary, the available evidence is currently insufficient to determine the role of this variant in disease. Therefore, it has been classified as a Variant of Uncertain Significance. Algorithms developed to predict the effect of missense changes on protein structure and function output the following: SIFT: "Not Available"; PolyPhen-2: "Benign"; Align-GVGD: "Not Available". The proline amino acid residue is found in multiple mammalian species, which suggests that this missense change does not adversely affect protein function. ClinVar contains an entry for this variant (Variation ID: 1517756). This variant has not been reported in the literature in individuals affected with SCN1B-related conditions. This sequence change replaces serine, which is neutral and polar, with proline, which is neutral and non-polar, at codon 240 of the SCN1B protein (p.Ser240Pro).

NM_001037.5(SCN1B):c.448+270T>C

Gene: SCN1B (sodium voltage-gated channel beta subunit 1; plus strand). Cytogenetic location: 19q13.11.
Variant type: single nucleotide variant.
Coding change: c.448+270T>C on transcript NM_001037.5 (MANE Select); 270 bases into the intron after coding-DNA position 448, T replaced by C.
Molecular consequence: intron variant. On other transcripts: missense variant (1).
Genome position (GRCh38, 1-based): chr19:35,034,009, T>C. VCF-style: chr19-35034009-T-C. GRCh37 (hg19) VCF-style: chr19-35524913-T-C.
Other names: c.718T>C, p.Ser240Pro (NM_199037.5); c.349+270T>C (NM_001321605.2); short protein forms S240P.
Identifiers: ClinVar variation 1517756 (VCV001517756.8), dbSNP rs1173518227, ClinGen allele CA405329710.